The following is an entry in ClinVar:

NM_001394998.1(TANC2):c.952G>A (p.Glu318Lys)

Gene: TANC2 (tetratricopeptide repeat, ankyrin repeat and coiled-coil containing 2; plus strand). Cytogenetic location: 17q23.3.
Variant type: single nucleotide variant.
Coding change: c.952G>A on transcript NM_001394998.1 (MANE Select); coding-DNA position 952, G replaced by A.
Protein change: p.Glu318Lys; replaces glutamic acid 318 with lysine.
Molecular consequence: missense variant.
Genome position (GRCh38, 1-based): chr17:63,237,996, G>A. VCF-style: chr17-63237996-G-A. GRCh37 (hg19) VCF-style: chr17-61315357-G-A.
Other names: c.730G>A, p.Glu244Lys (NM_001411076.1, NM_025185.4); short protein forms E244K, E318K.
Identifiers: ClinVar variation 2843130 (VCV002843130.5), dbSNP rs1314150006, ClinGen allele CA400792746.

ClinVar aggregate classification (germline): Uncertain significance. Review status: criteria provided, multiple submitters, no conflicts (2 of 4 stars). 2 submissions from 2 submitters: Uncertain significance (2). Last evaluated 2025-02-21.

Allele frequency attached by ClinVar (database versions not stated): TOPMed below 0.00001; gnomAD exomes below 0.00001.
gnomAD v4.1: 1 of 1,575,106 alleles (0.000063%); highest among the groups gnomAD compares: Admixed American, 0.0018%; no homozygotes.

Submissions (2):

Dasa
Classification: Uncertain significance. Last evaluated: 2025-02-21. Review status: criteria provided, single submitter. Criteria: DASA Assertion Criteria. Collection method: clinical testing. Allele origin: germline.
Comment: NM_001394998.1(TANC2):c.952G>A (p.Glu318Lys) is a missense variant that results in the substitution of glutamic acid with lysine. This variant is rare in population databases. Computational prediction algorithms are consistent with a benign effect. The currently available literature and clinical evidence are not sufficient to establish a definitive association between this variant and the reported condition. Therefore, this variant is classified as a variant of uncertain significance.

Labcorp Genetics (formerly Invitae), Labcorp
Classification: Uncertain significance. Last evaluated: 2023-03-06. Review status: criteria provided, single submitter. Criteria: Invitae Variant Classification Sherloc (09022015). Collection method: clinical testing. Allele origin: germline.
Comment: This sequence change replaces glutamic acid, which is acidic and polar, with lysine, which is basic and polar, at codon 244 of the TANC2 protein (p.Glu244Lys). This variant is not present in population databases (gnomAD no frequency). In summary, the available evidence is currently insufficient to determine the role of this variant in disease. Therefore, it has been classified as a Variant of Uncertain Significance. An algorithm developed to predict the effect of missense changes on protein structure and function (PolyPhen-2) suggests that this variant is likely to be tolerated. This variant has not been reported in the literature in individuals affected with TANC2-related conditions.